The following is an entry in ClinVar:

NM_001048174.2(MUTYH):c.1535A>T (p.Asp512Val)

Gene: MUTYH (mutY DNA glycosylase; minus strand). Cytogenetic location: 1p34.1.
Variant type: single nucleotide variant.
Coding change: c.1535A>T on transcript NM_001048174.2 (MANE Select); coding-DNA position 1535, A replaced by T.
Protein change: p.Asp512Val; replaces aspartic acid 512 with valine.
Molecular consequence: missense variant. On other transcripts: non-coding transcript variant (7).
Genome position (GRCh38, 1-based): chr1:45,329,337, T>A on the plus strand (A>T on the coding strand, the complement: MUTYH is on the minus strand). VCF-style: chr1-45329337-T-A. GRCh37 (hg19) VCF-style: chr1-45795009-T-A.
Other names: c.1451A>T, p.Asp484Val (NM_001407075.1); c.1568A>T, p.Asp523Val (NM_001407077.1, NM_001293191.2, NM_001407069.1); c.1538A>T, p.Asp513Val (NM_001407078.1, NM_001407086.1, NM_001048172.2 and 1 more transcripts); c.1496A>T, p.Asp499Val (NM_001407079.1); c.1493A>T, p.Asp498Val (NM_001407080.1); c.1535A>T, p.Asp512Val (NM_001407081.1, NM_001407088.1, NM_001407089.1 and 6 more transcripts); c.1190A>T, p.Asp397Val (NM_001407082.1, NM_001350650.2, NM_001350651.2); c.1577A>T, p.Asp526Val (NM_001407083.1, NM_001407085.1); and 5 more; short protein forms D420V, D519V, D527V, D397V, D484V, D498V, D499V, D512V.
Identifiers: ClinVar variation 4113452 (VCV004113452.1).

ClinVar aggregate classification (germline): Uncertain significance (1 of 4 stars; one submission).

Conditions:
Hereditary cancer-predisposing syndrome. Also called: Hereditary neoplastic syndrome; Neoplastic Syndromes, Hereditary; Tumor predisposition; Hereditary Cancer Syndrome. Identifiers: Orphanet 140162, MedGen C0027672, MeSH D009386, MONDO:0015356.

Submission:

Ambry Genetics
Classification: Uncertain significance for Hereditary cancer-predisposing syndrome. Last evaluated: 2025-08-27. Review status: criteria provided, single submitter. Criteria: Ambry Variant Classification Scheme 2023. Collection method: clinical testing. Allele origin: germline.
Comment: The p.D540V variant (also known as c.1619A>T), located in coding exon 16 of the MUTYH gene, results from an A to T substitution at nucleotide position 1619. The aspartic acid at codon 540 is replaced by valine, an amino acid with highly dissimilar properties. This amino acid position is conserved. In addition, the in silico prediction for this alteration is inconclusive. Based on the available evidence, the clinical significance of this variant remains unclear.